The following is an entry in ClinVar:

NM_000489.6(ATRX):c.5557C>T (p.His1853Tyr)

Gene: ATRX (ATRX chromatin remodeler; minus strand). Cytogenetic location: Xq21.1.
Variant type: single nucleotide variant.
Coding change: c.5557C>T on transcript NM_000489.6 (MANE Select); coding-DNA position 5557, C replaced by T.
Protein change: p.His1853Tyr; replaces histidine 1853 with tyrosine.
Molecular consequence: missense variant.
Genome position (GRCh38, 1-based): chrX:77,616,622, G>A on the plus strand (C>T on the coding strand, the complement: ATRX is on the minus strand). VCF-style: chrX-77616622-G-A. GRCh37 (hg19) VCF-style: chrX-76872090-G-A.
Other names: c.5443C>T, p.His1815Tyr (NM_138270.5); short protein forms H1815Y, H1853Y.
Identifiers: ClinVar variation 2660957 (VCV002660957.28), dbSNP rs895159127, ClinGen allele CA331565685.

ClinVar aggregate classification (germline): Likely benign. Review status: criteria provided, multiple submitters, no conflicts (2 of 4 stars). 3 submissions from 3 submitters: Likely benign (2). 1 of the submissions does not count toward it. Last evaluated 2026-08-01.

Conditions:
Alpha thalassemia-X-linked intellectual disability syndrome (ATRX). Also called: ALPHA-THALASSEMIA/MENTAL RETARDATION SYNDROME, X-LINKED; ATR, NONDELETION TYPE; ATR-X syndrome; Alpha thalassemia mental retardation syndrome, nondeletion type, X-linked; XLMR hypotonic face syndrome; X-linked alpha-thalassemia-mental retardation syndrome. Identifiers: Orphanet 847, MedGen C1845055, MONDO:0010519, OMIM 301040.

Allele frequency attached by ClinVar (database versions not stated): gnomAD 0.00001; gnomAD exomes 0.00001; TOPMed 0.00001.
gnomAD v4.1: 15 of 1,183,524 alleles (0.0013%); highest among the groups gnomAD compares: Non-Finnish European, 0.0017%; no homozygotes.

Submissions (3):

CeGaT Center for Human Genetics Tuebingen
Classification: Likely benign. Last evaluated: 2026-08-01. Review status: criteria provided, single submitter. Criteria: CeGaT Center For Human Genetics Tuebingen Variant Classification Criteria Version 2. Collection method: clinical testing. Allele origin: germline. Affected: yes. Observed: 1 variant allele.
Comment: ATRX: PP2, PP3, BS2

Labcorp Genetics (formerly Invitae), Labcorp
Classification: Likely benign for Alpha thalassemia-X-linked intellectual disability syndrome. Last evaluated: 2022-11-30. Review status: criteria provided, single submitter. Criteria: Invitae Variant Classification Sherloc (09022015). Collection method: clinical testing. Allele origin: germline.

Natera, Inc.
Classification: Uncertain significance for X-linked alpha-thalassemia-mental retardation syndrome. Last evaluated: 2025-02-13. Review status: no assertion criteria provided. Collection method: clinical testing. Allele origin: germline. Not counted in ClinVar's aggregate classification.